The following is an entry in ClinVar:

ClinVar aggregate classification (germline): Uncertain significance. Review status: criteria provided, multiple submitters, no conflicts (2 of 4 stars). 2 submissions from 2 submitters: Uncertain significance (2). Last evaluated 2025-12-02.

Conditions:
Inborn genetic diseases. Identifiers: MedGen C0950123, MeSH D030342.

gnomAD v4.1: 129 of 1,613,980 alleles (0.008%); highest among the groups gnomAD compares: East Asian, 0.04%; no homozygotes.

Submissions (2):

Labcorp Genetics (formerly Invitae), Labcorp
Classification: Uncertain significance. Last evaluated: 2025-12-02. Review status: criteria provided, single submitter. Criteria: Invitae Variant Classification Sherloc (09022015). Collection method: clinical testing. Allele origin: germline.
Comment: This sequence change replaces arginine, which is basic and polar, with histidine, which is basic and polar, at codon 426 of the RNF216 protein (p.Arg426His). This variant is present in population databases (rs202131937, gnomAD 0.02%). This variant has not been reported in the literature in individuals affected with RNF216-related conditions. ClinVar contains an entry for this variant (Variation ID: 3314855). An algorithm developed to predict the effect of missense changes on protein structure and function (PolyPhen-2) suggests that this variant is likely to be tolerated. In summary, the available evidence is currently insufficient to determine the role of this variant in disease. Therefore, it has been classified as a Variant of Uncertain Significance.

Ambry Genetics
Classification: Uncertain significance for Inborn genetic diseases. Last evaluated: 2024-03-25. Review status: criteria provided, single submitter. Criteria: Ambry Variant Classification Scheme 2023. Collection method: clinical testing. Allele origin: germline.

NM_207111.4(RNF216):c.1277G>A (p.Arg426His)

Gene: RNF216 (ring finger protein 216; minus strand). Cytogenetic location: 7p22.1.
Variant type: single nucleotide variant.
Coding change: c.1277G>A on transcript NM_207111.4 (MANE Select); coding-DNA position 1277, G replaced by A.
Protein change: p.Arg426His; replaces arginine 426 with histidine.
Molecular consequence: missense variant.
Genome position (GRCh38, 1-based): chr7:5,729,544, C>T on the plus strand (G>A on the coding strand, the complement: RNF216 is on the minus strand). VCF-style: chr7-5729544-C-T. GRCh37 (hg19) VCF-style: chr7-5769175-C-T.
Other names: c.1106G>A, p.Arg369His (NM_001377156.1, NM_207116.3); short protein forms R426H, R369H.
Identifiers: ClinVar variation 3314855 (VCV003314855.2).
Genomic context (GRCh38, chr7:5,729,544, plus strand): 5'-TCCTGACTACTGAGCACTTTGAAGTCGGCCATGAGGAGGTCAGCAGCTTGGATGAAGCAG[C>T]GCTGGTCAAGAGGGGTCAATTTAGAATAGTCAAAAAAGTCTATTTTAGGCAACTGAAATG-3'
Protein context (NP_996994.1, residues 416-436): DYSKLTPLDQ[Arg426His]CFIQAADLLM